The following is an entry in ClinVar:

ClinVar aggregate classification (germline): Uncertain significance (1 of 4 stars; one submission).

Submission:

Quest Diagnostics Nichols Institute San Juan Capistrano
Classification: Uncertain significance. Last evaluated: 2023-06-06. Review status: criteria provided, single submitter. Criteria: Quest Diagnostics criteria. Collection method: clinical testing. Allele origin: unknown.
Comment: To the best of our knowledge, this variant has not been reported in the published literature. It also has not been reported in large, multi-ethnic general populations (Genome Aggregation Database). Analysis of this variant using bioinformatics tools for the prediction of the effect of amino acid changes on protein structure and function yielded predictions that this variant is damaging. Based on the available information, we are unable to determine the clinical significance of this variant.

NM_005228.5(EGFR):c.2453G>A (p.Cys818Tyr)

Genes: EGFR (epidermal growth factor receptor; plus strand), EGFR-AS1 (EGFR antisense RNA 1; minus strand). Cytogenetic location: 7p11.2.
Variant type: single nucleotide variant.
Coding change: c.2453G>A on transcript NM_005228.5 (MANE Select); coding-DNA position 2453, G replaced by A.
Protein change: p.Cys818Tyr; replaces cysteine 818 with tyrosine.
Molecular consequence: missense variant. On other transcripts: non-coding transcript variant (1).
Genome position (GRCh38, 1-based): chr7:55,181,462, G>A. VCF-style: chr7-55181462-G-A. GRCh37 (hg19) VCF-style: chr7-55249155-G-A.
Other names: c.2318G>A, p.Cys773Tyr (NM_001346897.2, NM_001346899.2); c.2453G>A, p.Cys818Tyr (NM_001346898.2); c.2294G>A, p.Cys765Tyr (NM_001346900.2); c.1652G>A, p.Cys551Tyr (NM_001346941.2); short protein forms C551Y, C765Y, C773Y, C818Y.
Identifiers: ClinVar variation 2681885 (VCV002681885.1), dbSNP rs2128958859, ClinGen allele CA367579040.